The following is an entry in ClinVar:

ClinVar aggregate classification (germline): Uncertain significance (1 of 4 stars; one submission).

Submission:

GeneDx
Classification: Uncertain significance. Last evaluated: 2020-10-05. Review status: criteria provided, single submitter. Criteria: GeneDx Variant Classification Process June 2021. Collection method: clinical testing. Allele origin: germline. Affected: yes.
Comment: Has not been previously published in isolation in association with cardiomyopathy to our knowledge; Not observed in large population cohorts (Lek et al., 2016); In silico analysis, which includes protein predictors and evolutionary conservation, supports a deleterious effect; This variant is associated with the following publications: (PMID: 30048712, 27353086, 18505755, 12642359)

NM_003476.5(CSRP3):c.164A>G (p.Glu55Gly)

Gene: CSRP3 (cysteine and glycine rich protein 3; minus strand). Cytogenetic location: 11p15.1.
Variant type: single nucleotide variant.
Coding change: c.164A>G on transcript NM_003476.5 (MANE Select); coding-DNA position 164, A replaced by G.
Protein change: p.Glu55Gly; replaces glutamic acid 55 with glycine.
Molecular consequence: missense variant. On other transcripts: intron variant (1).
Genome position (GRCh38, 1-based): chr11:19,188,253, T>C on the plus strand (A>G on the coding strand, the complement: CSRP3 is on the minus strand). VCF-style: chr11-19188253-T-C. GRCh37 (hg19) VCF-style: chr11-19209800-T-C.
Other names: c.113-1905A>G (NM_001369404.1); short protein forms E55G.
Identifiers: ClinVar variation 1309661 (VCV001309661.2), dbSNP rs267606753, ClinGen allele CA218633635.